The following is an entry in ClinVar:

ClinVar aggregate classification (germline): Uncertain significance (1 of 4 stars; one submission).

Conditions:
Renal cell carcinoma. Identifiers: Orphanet 217071, MedGen C0007134, MeSH D002292, MONDO:0005086, HP:0005584.

Allele frequency attached by ClinVar (database versions not stated): gnomAD exomes below 0.00001.
gnomAD v4.1: 1 of 1,600,484 alleles (0.000062%); highest among the groups gnomAD compares: Non-Finnish European, 0.000085%; no homozygotes.

Submission:

Labcorp Genetics (formerly Invitae), Labcorp
Classification: Uncertain significance for Renal cell carcinoma. Last evaluated: 2022-11-04. Review status: criteria provided, single submitter. Criteria: Invitae Variant Classification Sherloc (09022015). Collection method: clinical testing. Allele origin: germline.
Comment: This variant is not present in population databases (gnomAD no frequency). This sequence change falls in intron 2 of the MET gene. It does not directly change the encoded amino acid sequence of the MET protein. It affects a nucleotide within the consensus splice site. In summary, the available evidence is currently insufficient to determine the role of this variant in disease. Therefore, it has been classified as a Variant of Uncertain Significance. Variants that disrupt the consensus splice site are a relatively common cause of aberrant splicing (PMID: 17576681, 9536098). Algorithms developed to predict the effect of sequence changes on RNA splicing suggest that this variant is not likely to affect RNA splicing. This variant has not been reported in the literature in individuals affected with MET-related conditions.

Literature cited by the submitters: PubMed 17576681; PubMed 9536098.

NM_000245.4(MET):c.1200+6T>A

Gene: MET (MET proto-oncogene, receptor tyrosine kinase; plus strand). Cytogenetic location: 7q31.2.
Variant type: single nucleotide variant.
Coding change: c.1200+6T>A on transcript NM_000245.4 (MANE Select); 6 bases into the intron after coding-DNA position 1200, T replaced by A.
Molecular consequence: intron variant.
Genome position (GRCh38, 1-based): chr7:116,700,290, T>A. VCF-style: chr7-116700290-T-A. GRCh37 (hg19) VCF-style: chr7-116340344-T-A.
Other names: c.1200+6T>A (NM_001127500.3, NM_001324401.3); c.-91+27713T>A (NM_001324402.2).
Identifiers: ClinVar variation 1968704 (VCV001968704.5), dbSNP rs2485517436, ClinGen allele CA2580076367.